The following is an entry in ClinVar:

NM_033380.3(COL4A5):c.2520A>G (p.Gly840=)

Gene: COL4A5 (collagen type IV alpha 5 chain; plus strand). Cytogenetic location: Xq22.3.
Variant type: single nucleotide variant.
Coding change: c.2520A>G on transcript NM_033380.3 (MANE Select); coding-DNA position 2520, A replaced by G.
Protein change: p.Gly840=; no amino-acid change (glycine 840 retained).
Molecular consequence: synonymous variant.
Genome position (GRCh38, 1-based): chrX:108,620,269, A>G. VCF-style: chrX-108620269-A-G. GRCh37 (hg19) VCF-style: chrX-107863499-A-G.
Other names: c.2520A>G, p.Gly840= (NM_000495.5).
Identifiers: ClinVar variation 1170644 (VCV001170644.13), dbSNP rs372853807, ClinGen allele CA10488939.

ClinVar aggregate classification (germline): Benign/Likely benign. Review status: criteria provided, multiple submitters, no conflicts (2 of 4 stars). 2 submissions from 2 submitters: Benign (1); Likely benign (1). Last evaluated 2026-03-01.

Allele frequency attached by ClinVar (database versions not stated): TOPMed 0.00001; ExAC 0.00002; gnomAD exomes 0.00002 and 0.00003; gnomAD 0.00003; ESP Exome Variant Server 0.00009.
gnomAD v4.1: 37 of 1,204,546 alleles (0.0031%); highest among the groups gnomAD compares: Non-Finnish European, 0.0042%; no homozygotes.

Submissions (2):

CeGaT Center for Human Genetics Tuebingen
Classification: Likely benign. Last evaluated: 2026-03-01. Review status: criteria provided, single submitter. Criteria: CeGaT Center For Human Genetics Tuebingen Variant Classification Criteria Version 2. Collection method: clinical testing. Allele origin: germline. Affected: yes. Observed: 1 variant allele.
Comment: COL4A5: BP4, BS2

Labcorp Genetics (formerly Invitae), Labcorp
Classification: Benign. Last evaluated: 2026-02-01. Review status: criteria provided, single submitter. Criteria: Invitae Variant Classification Sherloc (09022015). Collection method: clinical testing. Allele origin: germline.